The following is an entry in ClinVar:

NM_014049.5(ACAD9):c.1324C>T (p.Gln442Ter)

Gene: ACAD9 (acyl-CoA dehydrogenase family member 9; plus strand). Cytogenetic location: 3q21.3.
Variant type: single nucleotide variant.
Coding change: c.1324C>T on transcript NM_014049.5 (MANE Select); coding-DNA position 1324, C replaced by T.
Protein change: p.Gln442Ter; replaces glutamine 442 with a stop codon.
Molecular consequence: nonsense. On other transcripts: non-coding transcript variant (1).
Genome position (GRCh38, 1-based): chr3:128,908,230, C>T. VCF-style: chr3-128908230-C-T. GRCh37 (hg19) VCF-style: chr3-128627073-C-T.
Other names: c.955C>T, p.Gln319Ter (NM_001410805.1); short protein forms Q319*, Q442*.
Identifiers: ClinVar variation 2115972 (VCV002115972.4), dbSNP rs1461373436, ClinGen allele CA354438014.

ClinVar aggregate classification (germline): Pathogenic (1 of 4 stars; one submission).

Submission:

Labcorp Genetics (formerly Invitae), Labcorp
Classification: Pathogenic. Last evaluated: 2022-03-23. Review status: criteria provided, single submitter. Criteria: Invitae Variant Classification Sherloc (09022015). Collection method: clinical testing. Allele origin: germline.
Comment: For these reasons, this variant has been classified as Pathogenic. This variant has not been reported in the literature in individuals affected with ACAD9-related conditions. This variant is not present in population databases (gnomAD no frequency). This sequence change creates a premature translational stop signal (p.Gln442*) in the ACAD9 gene. It is expected to result in an absent or disrupted protein product. Loss-of-function variants in ACAD9 are known to be pathogenic (PMID: 25721401).

Literature cited by the submitters: PubMed 25721401.